The following is an entry in ClinVar:

NM_001127198.5(TMC6):c.2354+10C>T

Gene: TMC6 (transmembrane channel like 6; minus strand). Cytogenetic location: 17q25.3.
Variant type: single nucleotide variant.
Coding change: c.2354+10C>T on transcript NM_001127198.5 (MANE Select); 10 bases into the intron after coding-DNA position 2354, C replaced by T.
Molecular consequence: intron variant.
Genome position (GRCh38, 1-based): chr17:78,113,538, G>A on the plus strand (C>T on the coding strand, the complement: TMC6 is on the minus strand). VCF-style: chr17-78113538-G-A. GRCh37 (hg19) VCF-style: chr17-76109619-G-A.
Other names: c.2174+10C>T (NM_001374594.1, NM_001374593.1); c.2354+10C>T (NM_001374596.1, NM_007267.7, NM_001321185.1 and 2 more transcripts).
Identifiers: ClinVar variation 456013 (VCV000456013.15), dbSNP rs199765733, ClinGen allele CA8795314.
Genomic context (GRCh38, chr17:78,113,538, plus strand): 5'-CCTACTGTCCAGCCCTGGCCCCTCTCCCCTCCAGGCTCAGAGTGTCCCCAATCCCTCCAC[G>A]GACCCTCACCTGCTCCTCTCCTCCCTCTCCTTCCTCTCGTAGATGGAGTGAAGCTTGTTG-3'

ClinVar aggregate classification (germline): Benign/Likely benign. Review status: criteria provided, multiple submitters, no conflicts (2 of 4 stars). 3 submissions from 3 submitters: Benign (1); Likely benign (1). 1 of the submissions does not count toward it. Last evaluated 2026-02-01.

Conditions:
Epidermodysplasia verruciformis. Identifiers: Orphanet 302, MedGen C0014522, MONDO:0009176.
TMC6-related disorder. Also called: TMC6-related condition.

Allele frequency attached by ClinVar (database versions not stated): 1000 Genomes Project 30x 0.00047; 1000 Genomes Project 0.00060; gnomAD exomes 0.00089 and 0.00103; TOPMed 0.00100; ExAC 0.00108; gnomAD 0.00109 and 0.00121; ESP Exome Variant Server 0.00123.
gnomAD v4.1: 1,458 of 1,613,782 alleles (0.09%); highest among the groups gnomAD compares: Non-Finnish European, 0.099%; 3 homozygotes.

Submissions (3):

Labcorp Genetics (formerly Invitae), Labcorp
Classification: Benign for Epidermodysplasia verruciformis. Last evaluated: 2026-02-01. Review status: criteria provided, single submitter. Criteria: Invitae Variant Classification Sherloc (09022015). Collection method: clinical testing. Allele origin: germline.

Blueprint Genetics
Classification: Likely benign. Last evaluated: 2024-11-28. Review status: criteria provided, single submitter. Criteria: ACMG Guidelines, 2015. Collection method: clinical testing. Allele origin: germline.

PreventionGenetics, part of Exact Sciences
Classification: Likely benign for TMC6-related condition. Last evaluated: 2019-05-29. Review status: no assertion criteria provided. Collection method: clinical testing. Allele origin: germline. Not counted in ClinVar's aggregate classification.
Comment: This variant is classified as likely benign based on ACMG/AMP sequence variant interpretation guidelines (Richards et al. 2015 PMID: 25741868, with internal and published modifications).